The following is an entry in ClinVar:

NM_177398.4(LMX1A):c.639A>C (p.Ser213=)

Gene: LMX1A (LIM homeobox transcription factor 1 alpha; minus strand). Cytogenetic location: 1q23.3.
Variant type: single nucleotide variant.
Coding change: c.639A>C on transcript NM_177398.4 (MANE Select); coding-DNA position 639, A replaced by C.
Protein change: p.Ser213=; no amino-acid change (serine 213 retained).
Molecular consequence: synonymous variant.
Genome position (GRCh38, 1-based): chr1:165,213,671, T>G on the plus strand (A>C on the coding strand, the complement: LMX1A is on the minus strand). VCF-style: chr1-165213671-T-G. GRCh37 (hg19) VCF-style: chr1-165182908-T-G.
Other names: c.639A>C, p.Ser213= (NM_001174069.2).
Identifiers: ClinVar variation 3050609 (VCV003050609.7), dbSNP rs34587265, ClinGen allele CA1219751.

ClinVar aggregate classification (germline): Likely benign. Review status: criteria provided, multiple submitters, no conflicts (2 of 4 stars). 3 submissions from 3 submitters: Likely benign (2). 1 of the submissions does not count toward it. Last evaluated 2026-03-01.

Conditions:
LMX1A-related disorder. Also called: LMX1A-related condition.

Allele frequency attached by ClinVar (database versions not stated): gnomAD exomes 0.00046; ExAC 0.00058; ESP Exome Variant Server 0.00108; gnomAD 0.00114; 1000 Genomes Project 0.00140; 1000 Genomes Project 30x 0.00141.
gnomAD v4.1: 883 of 1,614,202 alleles (0.055%); highest among the groups gnomAD compares: African/African-American, 0.27%; 2 homozygotes.

Submissions (3):

CeGaT Center for Human Genetics Tuebingen
Classification: Likely benign. Last evaluated: 2026-03-01. Review status: criteria provided, single submitter. Criteria: CeGaT Center For Human Genetics Tuebingen Variant Classification Criteria Version 2. Collection method: clinical testing. Allele origin: germline. Affected: yes. Observed: 1 variant allele.
Comment: LMX1A: BP4, BP7

Blueprint Genetics
Classification: Likely benign. Last evaluated: 2024-10-11. Review status: criteria provided, single submitter. Criteria: ACMG Guidelines, 2015. Collection method: clinical testing. Allele origin: germline.

PreventionGenetics, part of Exact Sciences
Classification: Likely benign for LMX1A-related condition. Last evaluated: 2019-07-10. Review status: no assertion criteria provided. Collection method: clinical testing. Allele origin: germline. Not counted in ClinVar's aggregate classification.
Comment: This variant is classified as likely benign based on ACMG/AMP sequence variant interpretation guidelines (Richards et al. 2015 PMID: 25741868, with internal and published modifications).